The following is an entry in ClinVar:

NM_033440.3(CELA2A):c.304G>T (p.Val102Phe)

Gene: CELA2A (chymotrypsin like elastase 2A; plus strand). Cytogenetic location: 1p36.21.
Variant type: single nucleotide variant.
Coding change: c.304G>T on transcript NM_033440.3 (MANE Select); coding-DNA position 304, G replaced by T.
Protein change: p.Val102Phe; replaces valine 102 with phenylalanine.
Molecular consequence: missense variant.
Genome position (GRCh38, 1-based): chr1:15,462,809, G>T. VCF-style: chr1-15462809-G-T. GRCh37 (hg19) VCF-style: chr1-15789304-G-T.
Other names: short protein forms V102F.
Identifiers: ClinVar variation 3257603 (VCV003257603.17).

ClinVar aggregate classification (germline): Likely benign (1 of 4 stars; one submission).

gnomAD v4.1: 2,663 of 1,614,088 alleles (0.16%); highest among the groups gnomAD compares: South Asian, 0.78%; 34 homozygotes.

Submission:

CeGaT Center for Human Genetics Tuebingen
Classification: Likely benign. Last evaluated: 2026-08-01. Review status: criteria provided, single submitter. Criteria: CeGaT Center For Human Genetics Tuebingen Variant Classification Criteria Version 2. Collection method: clinical testing. Allele origin: germline. Affected: yes. Observed: 2 variant alleles.
Comment: CELA2A: BS2